The following is an entry in ClinVar:

ClinVar aggregate classification (germline): Uncertain significance. Review status: criteria provided, multiple submitters, no conflicts (2 of 4 stars). 2 submissions from 2 submitters: Uncertain significance (2). Last evaluated 2025-01-06.

Conditions:
Inborn genetic diseases. Identifiers: MedGen C0950123, MeSH D030342.

Allele frequency attached by ClinVar (database versions not stated): ExAC 0.00006; ESP Exome Variant Server 0.00008; TOPMed 0.00009; gnomAD 0.00012.
gnomAD v4.1: 131 of 1,579,244 alleles (0.0083%); highest among the groups gnomAD compares: Middle Eastern, 0.017%; no homozygotes.

Submissions (2):

Labcorp Genetics (formerly Invitae), Labcorp
Classification: Uncertain significance. Last evaluated: 2025-01-06. Review status: criteria provided, single submitter. Criteria: Invitae Variant Classification Sherloc (09022015). Collection method: clinical testing. Allele origin: germline.
Comment: This sequence change replaces arginine, which is basic and polar, with glutamine, which is neutral and polar, at codon 621 of the C2CD3 protein (p.Arg621Gln). This variant is present in population databases (rs374842274, gnomAD 0.01%). This variant has not been reported in the literature in individuals affected with C2CD3-related conditions. ClinVar contains an entry for this variant (Variation ID: 2181880). Invitae Evidence Modeling of protein sequence and biophysical properties (such as structural, functional, and spatial information, amino acid conservation, physicochemical variation, residue mobility, and thermodynamic stability) indicates that this missense variant is expected to disrupt C2CD3 protein function with a positive predictive value of 80%. In summary, the available evidence is currently insufficient to determine the role of this variant in disease. Therefore, it has been classified as a Variant of Uncertain Significance.

Ambry Genetics
Classification: Uncertain significance for Inborn genetic diseases. Last evaluated: 2021-11-15. Review status: criteria provided, single submitter. Criteria: Ambry Variant Classification Scheme 2023. Collection method: clinical testing. Allele origin: germline.

NM_001286577.2(C2CD3):c.1862G>A (p.Arg621Gln)

Gene: C2CD3 (C2 domain containing 3 centriole elongation regulator; minus strand). Cytogenetic location: 11q13.4.
Variant type: single nucleotide variant.
Coding change: c.1862G>A on transcript NM_001286577.2 (MANE Select); coding-DNA position 1862, G replaced by A.
Protein change: p.Arg621Gln; replaces arginine 621 with glutamine.
Molecular consequence: missense variant.
Genome position (GRCh38, 1-based): chr11:74,109,134, C>T on the plus strand (G>A on the coding strand, the complement: C2CD3 is on the minus strand). VCF-style: chr11-74109134-C-T. GRCh37 (hg19) VCF-style: chr11-73820179-C-T.
Other names: c.1862G>A, p.Arg621Gln (NM_015531.6); c.1862G>A (NM_015531.4); short protein forms R621Q.
Identifiers: ClinVar variation 2181880 (VCV002181880.4), dbSNP rs374842274, ClinGen allele CA6182776.